The following is an entry in ClinVar:

ClinVar aggregate classification (germline): Benign. Review status: criteria provided, multiple submitters, no conflicts (2 of 4 stars). 2 submissions from 2 submitters: Benign (2). Last evaluated 2018-06-14.

Allele frequency attached by ClinVar (database versions not stated): gnomAD 0.25078 and 0.25212; TOPMed 0.26238; 1000 Genomes Project 30x 0.30403; 1000 Genomes Project 0.30691.
gnomAD v4.1: 269,278 of 1,252,102 alleles (22%); highest among the groups gnomAD compares: East Asian, 40%; 30,689 homozygotes.

Submissions (2):

GeneDx
Classification: Benign. Last evaluated: 2018-06-14. Review status: criteria provided, single submitter. Criteria: GeneDx Variant Classification (06012015). Collection method: clinical testing. Allele origin: germline. Affected: yes.
Comment: This variant is considered likely benign or benign based on one or more of the following criteria: it is a conservative change, it occurs at a poorly conserved position in the protein, it is predicted to be benign by multiple in silico algorithms, and/or has population frequency not consistent with disease.

Breakthrough Genomics
Classification: Benign. Review status: criteria provided, single submitter. Criteria: ACMG Guidelines, 2015. Collection method: not provided. Allele origin: germline. Inheritance: Autosomal recessive inheritance. Affected: yes.

NM_001330078.2(NRXN1):c.1321-56A>C

Gene: NRXN1 (neurexin 1; minus strand). Cytogenetic location: 2p16.3.
Variant type: single nucleotide variant.
Coding change: c.1321-56A>C on transcript NM_001330078.2 (MANE Select); 56 bases into the intron before coding-DNA position 1321, A replaced by C.
Molecular consequence: intron variant.
Genome position (GRCh38, 1-based): chr2:50,553,081, T>G on the plus strand (A>C on the coding strand, the complement: NRXN1 is on the minus strand). VCF-style: chr2-50553081-T-G. GRCh37 (hg19) VCF-style: chr2-50780219-T-G.
Other names: c.1237-56A>C (NM_001330096.2, NM_001330087.2); c.1282-56A>C (NM_001330083.2, NM_001330084.2); c.1267-56A>C (NM_001330088.2); c.1318-56A>C (NM_001330093.2); c.1309-56A>C (NM_001330094.2); c.1297-56A>C (NM_001330095.2, NM_001330082.2, NM_001330077.2); c.1321-56A>C (NM_001330085.2, NM_004801.6, NM_001330086.2); c.1441-56A>C (NM_001135659.3).
Identifiers: ClinVar variation 670683 (VCV000670683.2), dbSNP rs13429627, ClinGen allele CA11151860.
Genomic context (GRCh38, chr2:50,553,081, plus strand): 5'-ACAACCTGTGGGCAGAGGATAGCAGTGAGAAACTAGCCTCCATATTTTAATATCTGAAAC[T>G]TGTGAACAGCTCATGTAACTTTCAACGACATCATAAAAAGGCACACGATATTTAGTTAAT-3'